The following is an entry in ClinVar:

NM_000552.5(VWF):c.1534-3C>A

Gene: VWF (von Willebrand factor; minus strand). Cytogenetic location: 12p13.31.
Variant type: single nucleotide variant.
Coding change: c.1534-3C>A on transcript NM_000552.5 (MANE Select); 3 bases into the intron before coding-DNA position 1534, C replaced by A.
Molecular consequence: intron variant.
Genome position (GRCh38, 1-based): chr12:6,058,047, G>T on the plus strand (C>A on the coding strand, the complement: VWF is on the minus strand). VCF-style: chr12-6058047-G-T. GRCh37 (hg19) VCF-style: chr12-6167213-G-T.
Identifiers: ClinVar variation 100183 (VCV000100183.4), dbSNP rs61754009, ClinGen allele CA228276.
Genomic context (GRCh38, chr12:6,058,047, plus strand): 5'-GGTTGCCATTGTAATTCCCACACAGGCCGCAGGTCTTCCCGGCATAGACGGGGGACAGCT[G>T]CAGGAGAGACCAGGCCACTCTGGAGCCGCTGCCGCGAAAGCAGCGGCATAGTTGTTTAGC-3'

ClinVar aggregate classification (germline): Likely pathogenic. Review status: no assertion criteria provided (0 of 4 stars). 2 submissions from 2 submitters: Likely pathogenic (1). 1 of the submissions does not count toward it. Last evaluated 2020-11-01.

Conditions:
von Willebrand disease type 3 (VWD3). Also called: Type 3 Von Willebrand's disease; Type 3 VWD; Von Willebrand disease, severe form; V WD3; VON WILLEBRAND DISEASE, TYPE III. Identifiers: Orphanet 166096, MedGen C1264041, MONDO:0010191, OMIM 277480.

Allele frequency attached by ClinVar (database versions not stated): gnomAD exomes below 0.00001; ExAC 0.00001; gnomAD 0.00001.
gnomAD v4.1: 4 of 1,612,924 alleles (0.00025%); highest among the groups gnomAD compares: Non-Finnish European, 0.00034%; no homozygotes.

Submissions (2):

Angelo Bianchi Bonomi Hemophilia and Thrombosis Center, Fondazione IRCCS Ca Granda Ospedale Maggiore Policlinico
Classification: Likely pathogenic for von Willebrand disease type 3. Last evaluated: 2020-11-01. Review status: no assertion criteria provided. Collection method: clinical testing. Allele origin: germline. Affected: yes. Study: Type 3 Von Willebrand International Registries Inhibitor Prospective Study (3WINTERS-IPS).
Comment: ClinGen Pathogenicity Calculator

Academic Unit of Haematology, University of Sheffield
No classification provided. Review status: no classification provided. Collection method: not provided. Allele origin: not provided. Not counted in ClinVar's aggregate classification.